The following is an entry in ClinVar:

NM_007294.4(BRCA1):c.2753_2755delinsCA (p.Lys918fs)

Gene: BRCA1 (BRCA1 DNA repair associated; minus strand). Cytogenetic location: 17q21.31.
Variant type: Indel.
Coding change: c.2753_2755delinsCA on transcript NM_007294.4 (MANE Select); coding-DNA positions 2753 to 2755, AGC replaced by CA.
Protein change: p.Lys918fs; shifts the reading frame from lysine 918.
Molecular consequence: frameshift variant. On other transcripts: intron variant (137).
Genome position (GRCh38, 1-based): chr17:43,092,776-43,092,778, GCT replaced by TG on the plus strand (AGC replaced by CA on the coding strand, the reverse complement: BRCA1 is on the minus strand). VCF-style: chr17-43092776-GCT-TG. GRCh37 (hg19) VCF-style: chr17-41244793-GCT-TG.
Other names: 2872_2874delAGCinsCA; c.2540_2542delinsCA, p.Lys847fs (NM_001407571.1, NM_001407853.1, NM_001407894.1 and 9 more transcripts); c.2753_2755delinsCA, p.Lys918fs (NM_001407581.1, NM_001407582.1, NM_001407583.1 and 30 more transcripts); c.2750_2752delinsCA, p.Lys917fs (NM_001407587.1, NM_001407590.1, NM_001407591.1 and 22 more transcripts); c.785-1746_785-1744delinsCA (NM_001408392.1, NM_001407986.1, NM_001407972.1 and 13 more transcripts); c.665-1746_665-1744delinsCA (NM_001408441.1, NM_001408437.1, NM_001408429.1 and 12 more transcripts); c.788-1746_788-1744delinsCA (NM_001407979.1, NM_001407977.1, NM_001407982.1 and 17 more transcripts); c.647-1746_647-1744delinsCA (NM_001408410.1, NM_001408458.1, NM_001408469.1 and 11 more transcripts); and 42 more; short protein forms K871fs, K918fs, K791fs, K806fs, K848fs, K876fs, K917fs, K622fs.
Identifiers: ClinVar variation 266300 (VCV000266300.10), dbSNP rs886040069, ClinGen allele CA10589816.

ClinVar aggregate classification (germline): Pathogenic. Review status: reviewed by expert panel (3 of 4 stars). 3 submissions from 3 submitters: Pathogenic (1). 2 of the submissions do not count toward it. Last evaluated 2016-10-18.

Conditions:
Hereditary cancer-predisposing syndrome. Also called: Hereditary Cancer Syndrome; Neoplastic Syndromes, Hereditary; Hereditary neoplastic syndrome; Tumor predisposition. Identifiers: Orphanet 140162, MedGen C0027672, MeSH D009386, MONDO:0015356.
Breast-ovarian cancer, familial, susceptibility to, 1 (BROVCA1). Also called: BRCA1 Hereditary Breast and Ovarian Cancer; OVARIAN CANCER, SUSCEPTIBILITY TO. Identifiers: Orphanet 145, MedGen C2676676, MONDO:0011450, OMIM 604370. Disease mechanism: loss of function.

Submissions (3):

Evidence-based Network for the Interpretation of Germline Mutant Alleles (ENIGMA)
Classification: Pathogenic for Breast-ovarian cancer, familial, susceptibility to, 1. Last evaluated: 2016-10-18. Review status: reviewed by expert panel. Criteria: ENIGMA BRCA1/2 Classification Criteria (2015). Collection method: curation. Allele origin: germline.
Comment: Variant allele predicted to encode a truncated non-functional protein.

Ambry Genetics
Classification: Pathogenic for Hereditary cancer-predisposing syndrome. Last evaluated: 2021-03-18. Review status: criteria provided, single submitter. Criteria: Ambry Variant Classification Scheme 2023. Collection method: clinical testing. Allele origin: germline. Not counted in ClinVar's aggregate classification.
Comment: The c.2753_2755delAGCinsCA pathogenic mutation, located in coding exon 9 of the BRCA1 gene, results from the deletion of 3 nucleotides and insertion of two nucleotides causing a translational frameshift with a predicted alternate stop codon (p.K918Tfs*82). This alteration was identified in a large, worldwide study of BRCA1/2 mutation positive families (Rebbeck TR et al. Hum Mutat, 2018 05;39:593-620). In addition to the clinical data presented in the literature, this alteration is expected to result in loss of function by premature protein truncation or nonsense-mediated mRNA decay. As such, this alteration is interpreted as a disease-causing mutation.

Consortium of Investigators of Modifiers of BRCA1/2 (CIMBA), c/o University of Cambridge
Classification: Pathogenic for Breast-ovarian cancer, familial, susceptibility to, 1. Last evaluated: 2015-10-02. Review status: criteria provided, single submitter. Criteria: CIMBA Mutation Classification guidelines May 2016. Collection method: clinical testing. Allele origin: germline. Not counted in ClinVar's aggregate classification.

Literature cited by the submitters: PubMed 29446198 (cited by Ambry Genetics).